The following is an entry in ClinVar:

NM_002474.3(MYH11):c.935A>G (p.Asn312Ser)

Gene: MYH11 (myosin heavy chain 11; minus strand). Cytogenetic location: 16p13.11.
Variant type: single nucleotide variant.
Coding change: c.935A>G on transcript NM_002474.3 (MANE Select); coding-DNA position 935, A replaced by G.
Protein change: p.Asn312Ser; replaces asparagine 312 with serine.
Molecular consequence: missense variant.
Genome position (GRCh38, 1-based): chr16:15,771,667, T>C on the plus strand (A>G on the coding strand, the complement: MYH11 is on the minus strand). VCF-style: chr16-15771667-T-C. GRCh37 (hg19) VCF-style: chr16-15865524-T-C.
Other names: c.956A>G, p.Asn319Ser (NM_001040113.2, NM_001040114.2); c.935A>G, p.Asn312Ser (NM_022844.3); short protein forms N319S, N312S.
Identifiers: ClinVar variation 566653 (VCV000566653.30), dbSNP rs149964928, ClinGen allele CA7922772.

ClinVar aggregate classification (germline): Uncertain significance. Review status: criteria provided, multiple submitters, no conflicts (2 of 4 stars). 8 submissions from 8 submitters: Uncertain significance (8). Last evaluated 2025-12-28.

Conditions:
Familial thoracic aortic aneurysm and aortic dissection (TAAD). Also called: Thoracic aortic aneurysms and dissections. Identifiers: Orphanet 91387, MedGen C4707243, MONDO:0019625.
Aortic aneurysm, familial thoracic 4 (AAT4). Also called: AORTIC ANEURYSM/AORTIC DISSECTION AND PATENT DUCTUS ARTERIOSUS. Identifiers: MedGen C1851504, MONDO:0007568, OMIM 132900.
Visceral myopathy 2. Identifiers: MedGen C5543466, MONDO:0859157, OMIM 619350.
Megacystis-microcolon-intestinal hypoperistalsis syndrome 2. Identifiers: MedGen C5543476, MONDO:0025708, OMIM 619351.

Allele frequency attached by ClinVar (database versions not stated): TOPMed 0.00002; ExAC 0.00003; gnomAD 0.00004; gnomAD exomes 0.00004; ESP Exome Variant Server 0.00008.
gnomAD v4.1: 64 of 1,613,960 alleles (0.004%); highest among the groups gnomAD compares: Non-Finnish European, 0.0046%; no homozygotes.

Submissions (9):

Labcorp Genetics (formerly Invitae), Labcorp
Classification: Uncertain significance for Aortic aneurysm, familial thoracic 4. Last evaluated: 2025-12-28. Review status: criteria provided, single submitter. Criteria: Invitae Variant Classification Sherloc (09022015). Collection method: clinical testing. Allele origin: germline.
Comment: This sequence change replaces asparagine, which is neutral and polar, with serine, which is neutral and polar, at codon 319 of the MYH11 protein (p.Asn319Ser). This variant is present in population databases (rs149964928, gnomAD 0.01%). This missense change has been observed in individual(s) with abdominal aneurysm (PMID: 26017485). ClinVar contains an entry for this variant (Variation ID: 566653). Invitae Evidence Modeling of protein sequence and biophysical properties (such as structural, functional, and spatial information, amino acid conservation, physicochemical variation, residue mobility, and thermodynamic stability) indicates that this missense variant is not expected to disrupt MYH11 protein function with a negative predictive value of 95%. In summary, the available evidence is currently insufficient to determine the role of this variant in disease. Therefore, it has been classified as a Variant of Uncertain Significance.

Ambry Genetics
Classification: Uncertain significance for Familial thoracic aortic aneurysm and aortic dissection. Last evaluated: 2025-12-10. Review status: criteria provided, single submitter. Criteria: Ambry Variant Classification Scheme 2023. Collection method: clinical testing. Allele origin: germline.

Women's Health and Genetics/Laboratory Corporation of America, LabCorp
Classification: Uncertain significance. Last evaluated: 2025-05-16. Review status: criteria provided, single submitter. Criteria: LabCorp Variant Classification Summary - May 2015. Collection method: clinical testing. Allele origin: germline.
Comment: Variant summary: MYH11 c.956A>G (p.Asn319Ser) results in a conservative amino acid change in the encoded protein sequence. Algorithms developed to predict the effect of missense changes on protein structure and function are either unavailable or do not agree on the potential impact of this missense change. The variant allele was found at a frequency of 4e-05 in 251452 control chromosomes (gnomAD). This frequency is not significantly higher than estimated for a pathogenic variant in MYH11 causing Megacystis-Microcolon Hypoperistalsis Syndrome 2, allowing no conclusion about variant significance. c.956A>G has been observed in one individual affected with abdominal aortic aneurysm (van de Luijtgaarden_2015). The report does not provide unequivocal conclusions about association of the variant with the disease. To our knowledge, no experimental evidence demonstrating an impact on protein function has been reported. The following publications have been ascertained in the context of this evaluation (PMID: 38773466, 26017485). ClinVar contains an entry for this variant (Variation ID: 566653). Based on the evidence outlined above, the variant was classified as uncertain significance.

Color Diagnostics, LLC DBA Color Health
Classification: Uncertain significance for Familial thoracic aortic aneurysm and aortic dissection. Last evaluated: 2025-05-13. Review status: criteria provided, single submitter. Criteria: ACMG Guidelines, 2015. Collection method: clinical testing. Allele origin: germline.
Comment: This missense variant replaces asparagine with serine at codon 319 of the MYH11 protein. Computational prediction suggests that this variant may not impact protein structure and function. To our knowledge, functional studies have not been reported for this variant. This variant has been reported in an individual affected with abdominal aortic aneurysm, but this variant did not segregate with disease in the family (PMID: 26017485). This variant has been identified in 13/282798 chromosomes in the general population by the Genome Aggregation Database (gnomAD). The available evidence is insufficient to determine the role of this variant in disease conclusively. Therefore, this variant is classified as a Variant of Uncertain Significance.

Victorian Clinical Genetics Services, Murdoch Childrens Research Institute
Classification: Uncertain significance for Aortic aneurysm, familial thoracic 4. Last evaluated: 2022-02-02. Review status: criteria provided, single submitter. Criteria: ACMG Guidelines, 2015. Collection method: clinical testing. Allele origin: germline. Inheritance: Autosomal dominant inheritance. Affected: yes.
Comment: Based on the classification scheme VCGS_Germline_v1.3.4, this variant is classified as VUS-3B. Following criteria are met: 0102 - Loss of function is a known mechanism of disease in this gene and is associated with megacystis-microcolon-intestinal hypoperistalsis syndrome 2 (MMIHS; MIM#619351). The disease mechanism for chronic intestinal pseudo-obstruction (CIPO), also known as visceral myopathy 2 (MIM#619350), and aortic aneurysm, familial thoracic 4 (AAFT; MIM#132900) is unclear, however loss of function and dominant negative have been suggested, respectively (PMID: 31944481). (I) 0108 - This gene is associated with both recessive and dominant disease. There is currently no genotype-phenotype correlation between autosomal recessive MMIHS (MIM#619351) and autosomal dominant AAFT (MIM#132900). However, CIPO is autosomal dominant and has only been reported in patients with protein elongation variants exclusive to isoform SM2 (PMIDs: 31389005, 31944481). (I) 0200 - Variant is predicted to result in a missense amino acid change from asparagine to serine. (I) 0251 - This variant is heterozygous. (I) 0304 - Variant is present in gnomAD (v2) <0.01 (13 heterozygote, 0 homozygotes). (SP) 0502 - Missense variant with conflicting in silico predictions and uninformative conservation. (I) 0600 - Variant is located in the annotated myosin head domain (DECIPHER). (I) 0705 - No comparable missense variants have previous evidence for pathogenicity. (I) 0809 - Previous evidence of pathogenicity for this variant is inconclusive. It has been identified once in an individual with abdominal aortic aneurysm and classified as a VUS. It has also been classified as a VUS by diagnostic laboratories in ClinVar (PMID: 26017485). (I) 0905 - No published segregation evidence has been identified for this variant. (I) 1007 - No published functional evidence has been identified for this variant. (I) 1208 - Inheritance information for this variant is not currently available in this individual. (I) Legend: (SP) - Supporting pathogenic, (I) - Information, (SB) - Supporting benign

ARUP Laboratories, Molecular Genetics and Genomics, ARUP Laboratories
Classification: Uncertain significance. Last evaluated: 2022-01-12. Review status: criteria provided, single submitter. Criteria: ARUP Molecular Germline Variant Investigation Process 2021. Collection method: clinical testing. Allele origin: germline.
Comment: The MYH11 c.935A>G; p.Asn312Ser variant (rs149964928), also known as p.Asn319Ser on an alternate transcript, is reported in an individual with abdominal aortic aneurysm, but did not segregate with disease in the family (van de Luijtgaarden 2015). The variant is listed in the ClinVar database (Variation ID: 566653) and is reported in the general population with an overall allele frequency of 0.005% (13/282798 alleles) in the Genome Aggregation Database. The asparagine at codon 312 is moderately conserved, and computational analyses are uncertain whether this variant is neutral or deleterious (REVEL: 0.381). Due to limited information, the clinical significance of the p.Asn312Ser variant is uncertain at this time. References: van de Luijtgaarden KM et al. First genetic analysis of aneurysm genes in familial and sporadic abdominal aortic aneurysm. Hum Genet. 2015 Aug;134(8):881-93. PMID: 26017485.

Fulgent Genetics
Classification: Uncertain significance for Aortic aneurysm, familial thoracic 4; Visceral myopathy 2; Megacystis-microcolon-intestinal hypoperistalsis syndrome 2. Last evaluated: 2021-07-24. Review status: criteria provided, single submitter. Criteria: ACMG Guidelines, 2015. Collection method: clinical testing. Allele origin: unknown.

GeneDx
Classification: Uncertain significance. Last evaluated: 2019-11-05. Review status: criteria provided, single submitter. Criteria: GeneDx Variant Classification Process June 2021. Collection method: clinical testing. Allele origin: germline. Affected: yes.
Comment: Reported as N319S (due to alternate nomenclature) in an individual with abdominal aortic aneurysm; however, no additional clinical information was available (van de Luijtgaarden et al., 2015); Reported in ClinVar as a variant of uncertain significance by other clinical laboratories (ClinVar Variant ID# 566653; Landrum et al., 2016); Observed in 13/282,798 (0.0046%) global alleles in large population cohorts (Lek et al., 2016); In silico analysis, which includes protein predictors and evolutionary conservation, supports a deleterious effect; This variant is associated with the following publications: (PMID: 26017485)

Dr. Peter K. Rogan Lab, Western University
No classification provided (evidence only). Condition: Ovarian serous cystadenocarcinoma. Review status: no classification provided. Collection method: in vitro. Allele origin: not applicable. Functional consequence: retained intron. Not counted in ClinVar's aggregate classification.

Literature cited by the submitters: PubMed 26017485 (cited by 4 submitters); PubMed 38773466 (cited by Women's Health and Genetics/Laboratory Corporation of America, LabCorp); PubMed 31389005 (cited by Victorian Clinical Genetics Services, Murdoch Childrens Research Institute); PubMed 31944481 (cited by Victorian Clinical Genetics Services, Murdoch Childrens Research Institute).